The following is an entry in ClinVar:

ClinVar aggregate classification (germline): Uncertain significance (1 of 4 stars; one submission).

Submission:

Labcorp Genetics (formerly Invitae), Labcorp
Classification: Uncertain significance. Last evaluated: 2024-12-02. Review status: criteria provided, single submitter. Criteria: Invitae Variant Classification Sherloc (09022015). Collection method: clinical testing. Allele origin: germline.
Comment: This sequence change replaces glycine, which is neutral and non-polar, with valine, which is neutral and non-polar, at codon 326 of the GYG2 protein (p.Gly326Val). This variant is not present in population databases (gnomAD no frequency). This variant has not been reported in the literature in individuals affected with GYG2-related conditions. ClinVar contains an entry for this variant (Variation ID: 3003658). An algorithm developed to predict the effect of missense changes on protein structure and function (PolyPhen-2) suggests that this variant is likely to be tolerated. In summary, the available evidence is currently insufficient to determine the role of this variant in disease. Therefore, it has been classified as a Variant of Uncertain Significance.

NM_001079855.2(GYG2):c.884G>T (p.Gly295Val)

Gene: GYG2 (glycogenin 2; plus strand). Cytogenetic location: Xp22.33.
Variant type: single nucleotide variant.
Coding change: c.884G>T on transcript NM_001079855.2 (MANE Select); coding-DNA position 884, G replaced by T.
Protein change: p.Gly295Val; replaces glycine 295 with valine.
Molecular consequence: missense variant.
Genome position (GRCh38, 1-based): chrX:2,861,568, G>T. VCF-style: chrX-2861568-G-T. GRCh37 (hg19) VCF-style: chrX-2779609-G-T.
Other names: c.884G>T, p.Gly295Val (NM_001184702.2); c.977G>T, p.Gly326Val (NM_001184703.2, NM_003918.3); c.419G>T, p.Gly140Val (NM_001184704.2); short protein forms G140V, G326V, G295V.
Identifiers: ClinVar variation 3003658 (VCV003003658.3), dbSNP rs989457721, ClinGen allele CA412266227.